The following is an entry in ClinVar:

NM_001081.4(CUBN):c.348+2T>C

Gene: CUBN (cubilin; minus strand). Cytogenetic location: 10p13.
Variant type: single nucleotide variant.
Coding change: c.348+2T>C on transcript NM_001081.4 (MANE Select); the canonical splice donor site of the intron after coding-DNA position 348, T replaced by C.
Molecular consequence: splice donor variant.
Genome position (GRCh38, 1-based): chr10:17,127,827, A>G on the plus strand (T>C on the coding strand, the complement: CUBN is on the minus strand). VCF-style: chr10-17127827-A-G. GRCh37 (hg19) VCF-style: chr10-17169826-A-G.
Identifiers: ClinVar variation 572384 (VCV000572384.22), dbSNP rs146047781, ClinGen allele CA5425727.

ClinVar aggregate classification (germline): Conflicting classifications of pathogenicity. Review status: criteria provided, conflicting classifications (1 of 4 stars). 4 submissions from 4 submitters: Likely pathogenic (3); Uncertain significance (1). Last evaluated 2025-11-24.

Conditions:
Proteinuria, chronic benign. Identifiers: MedGen C5394384, MONDO:0030042, OMIM 618884.
Imerslund-Grasbeck syndrome type 1 (IGS1). Also called: MEGALOBLASTIC ANEMIA, 1; Megaloblastic anemia 1, Finnish type; Imerslund-Gräsbeck syndrome 1. Identifiers: MedGen C4016819, MONDO:0100156, OMIM 261100.
Imerslund-Grasbeck syndrome. Also called: Imerslund-Gräsbeck syndrome; ENTEROCYTE COBALAMIN MALABSORPTION; ENTEROCYTE INTRINSIC FACTOR RECEPTOR, DEFECT OF; PERNICIOUS ANEMIA, JUVENILE, DUE TO SELECTIVE INTESTINAL MALABSORPTION OF VITAMIN B12, WITH PROTEINURIA; Megaloblastic anemia due to inborn errors of metabolism. Identifiers: Orphanet 35858, MedGen C4551825, MONDO:0009853.

Allele frequency attached by ClinVar (database versions not stated): gnomAD 0.00011 and 0.00012; ExAC 0.00012; gnomAD exomes 0.00015 and 0.00022; TOPMed 0.00015; ESP Exome Variant Server 0.00038.
gnomAD v4.1: 337 of 1,607,690 alleles (0.021%); highest among the groups gnomAD compares: Non-Finnish European, 0.022%; no homozygotes.

Submissions (4):

Labcorp Genetics (formerly Invitae), Labcorp
Classification: Likely pathogenic for Imerslund-Grasbeck syndrome. Last evaluated: 2025-11-24. Review status: criteria provided, single submitter. Criteria: Invitae Variant Classification Sherloc (09022015). Collection method: clinical testing. Allele origin: germline.
Comment: This sequence change affects a donor splice site in intron 3 of the CUBN gene. It is expected to disrupt RNA splicing. Variants that disrupt the donor or acceptor splice site typically lead to a loss of protein function (PMID: 16199547), and loss-of-function variants in CUBN are known to be pathogenic (PMID: 15024727, 22929189, 25349199, 31613795, 34979989). This variant is present in population databases (rs146047781, gnomAD 0.2%). Disruption of this splice site has been observed in individual(s) with steroid-resistant nephrotic syndrome (PMID: 25349199). ClinVar contains an entry for this variant (Variation ID: 572384). Algorithms developed to predict the effect of sequence changes on RNA splicing suggest that this variant may disrupt the consensus splice site. In summary, the currently available evidence indicates that the variant is pathogenic, but additional data are needed to prove that conclusively. Therefore, this variant has been classified as Likely Pathogenic.

Blueprint Genetics
Classification: Uncertain significance. Last evaluated: 2024-11-21. Review status: criteria provided, single submitter. Criteria: ACMG Guidelines, 2015. Collection method: clinical testing. Allele origin: germline.

Fulgent Genetics
Classification: Likely pathogenic for Imerslund-Grasbeck syndrome type 1; Proteinuria, chronic benign. Last evaluated: 2024-01-30. Review status: criteria provided, single submitter. Criteria: ACMG Guidelines, 2015. Collection method: clinical testing. Allele origin: germline.

Revvity Omics, Revvity
Classification: Likely pathogenic. Last evaluated: 2022-06-23. Review status: criteria provided, single submitter. Criteria: ACMG Guidelines, 2015. Collection method: clinical testing. Allele origin: germline.

Literature cited by the submitters: PubMed 16199547 (cited by Labcorp Genetics (formerly Invitae), Labcorp); PubMed 15024727 (cited by Labcorp Genetics (formerly Invitae), Labcorp); PubMed 22929189 (cited by Labcorp Genetics (formerly Invitae), Labcorp); PubMed 25349199 (cited by Labcorp Genetics (formerly Invitae), Labcorp); PubMed 31613795 (cited by Labcorp Genetics (formerly Invitae), Labcorp); PubMed 34979989 (cited by Labcorp Genetics (formerly Invitae), Labcorp).